The following is an entry in ClinVar:

NM_002485.5(NBN):c.593C>G (p.Pro198Arg)

Gene: NBN (nibrin; minus strand). Cytogenetic location: 8q21.3.
Variant type: single nucleotide variant.
Coding change: c.593C>G on transcript NM_002485.5 (MANE Select); coding-DNA position 593, C replaced by G.
Protein change: p.Pro198Arg; replaces proline 198 with arginine.
Molecular consequence: missense variant.
Genome position (GRCh38, 1-based): chr8:89,971,282, G>C on the plus strand (C>G on the coding strand, the complement: NBN is on the minus strand). VCF-style: chr8-89971282-G-C. GRCh37 (hg19) VCF-style: chr8-90983510-G-C.
Other names: c.347C>G, p.Pro116Arg (NM_001024688.3); short protein forms P198R, P116R.
Identifiers: ClinVar variation 937385 (VCV000937385.28), dbSNP rs951997505, ClinGen allele CA371659322.

ClinVar aggregate classification (germline): Uncertain significance. Review status: criteria provided, multiple submitters, no conflicts (2 of 4 stars). 3 submissions from 3 submitters: Uncertain significance (3). Last evaluated 2025-10-25.

Conditions:
Microcephaly, normal intelligence and immunodeficiency (NBS). Also called: Nijmegen breakage syndrome; Microcephaly with normal intelligence immunodeficiency and lymphoreticular malignancies; Nonsyndromal microcephaly autosomal recessive with normal intelligence; Seemanova syndrome 2; Immunodeficiency, microcephaly with normal intelligence; IMMUNODEFICIENCY, MICROCEPHALY, AND CHROMOSOMAL INSTABILITY. Identifiers: Orphanet 647, MedGen C0398791, MONDO:0009623, OMIM 251260.
Hereditary cancer-predisposing syndrome. Also called: Neoplastic Syndromes, Hereditary; Tumor predisposition; Hereditary neoplastic syndrome; Hereditary Cancer Syndrome. Identifiers: Orphanet 140162, MedGen C0027672, MeSH D009386, MONDO:0015356.

Submissions (3):

Ambry Genetics
Classification: Uncertain significance for Hereditary cancer-predisposing syndrome. Last evaluated: 2025-10-25. Review status: criteria provided, single submitter. Criteria: Ambry Variant Classification Scheme 2023. Collection method: clinical testing. Allele origin: germline.
Comment: The p.P198R variant (also known as c.593C>G), located in coding exon 6 of the NBN gene, results from a C to G substitution at nucleotide position 593. The proline at codon 198 is replaced by arginine, an amino acid with dissimilar properties. This amino acid position is conserved. In addition, this alteration is predicted to be deleterious by in silico analysis. Based on the available evidence, the clinical significance of this variant remains unclear.

CeGaT Center for Human Genetics Tuebingen
Classification: Uncertain significance. Last evaluated: 2023-09-01. Review status: criteria provided, single submitter. Criteria: CeGaT Center For Human Genetics Tuebingen Variant Classification Criteria Version 2. Collection method: clinical testing. Allele origin: germline. Affected: yes. Observed: 1 variant allele.
Comment: NBN: PM2, BP1

Labcorp Genetics (formerly Invitae), Labcorp
Classification: Uncertain significance for Microcephaly, normal intelligence and immunodeficiency. Last evaluated: 2021-09-16. Review status: criteria provided, single submitter. Criteria: Invitae Variant Classification Sherloc (09022015). Collection method: clinical testing. Allele origin: germline.
Comment: This sequence change replaces proline with arginine at codon 198 of the NBN protein (p.Pro198Arg). The proline residue is highly conserved and there is a moderate physicochemical difference between proline and arginine. This variant is not present in population databases (ExAC no frequency). This variant has not been reported in the literature in individuals affected with NBN-related conditions. Algorithms developed to predict the effect of missense changes on protein structure and function are either unavailable or do not agree on the potential impact of this missense change (SIFT: "Deleterious"; PolyPhen-2: "Probably Damaging"; Align-GVGD: "Class C0"). In summary, the available evidence is currently insufficient to determine the role of this variant in disease. Therefore, it has been classified as a Variant of Uncertain Significance.